The following is an entry in ClinVar:

ClinVar aggregate classification (germline): Uncertain significance (1 of 4 stars; one submission).

Allele frequency attached by ClinVar (database versions not stated): TOPMed 0.00001.

Submission:

Labcorp Genetics (formerly Invitae), Labcorp
Classification: Uncertain significance. Last evaluated: 2022-03-26. Review status: criteria provided, single submitter. Criteria: Invitae Variant Classification Sherloc (09022015). Collection method: clinical testing. Allele origin: germline.
Comment: This sequence change replaces serine, which is neutral and polar, with threonine, which is neutral and polar, at codon 757 of the MAP3K20 protein (p.Ser757Thr). This variant is not present in population databases (gnomAD no frequency). This variant has not been reported in the literature in individuals affected with MAP3K20-related conditions. Experimental studies and prediction algorithms are not available or were not evaluated, and the functional significance of this variant is currently unknown. In summary, the available evidence is currently insufficient to determine the role of this variant in disease. Therefore, it has been classified as a Variant of Uncertain Significance.

NM_016653.3(MAP3K20):c.2270G>C (p.Ser757Thr)

Genes: MAP3K20 (mitogen-activated protein kinase kinase kinase 20; plus strand), MAP3K20-AS1 (MAP3K20 antisense RNA 1; minus strand). Cytogenetic location: 2q31.1.
Variant type: single nucleotide variant.
Coding change: c.2270G>C on transcript NM_016653.3 (MANE Select); coding-DNA position 2270, G replaced by C.
Protein change: p.Ser757Thr; replaces serine 757 with threonine.
Molecular consequence: missense variant.
Genome position (GRCh38, 1-based): chr2:173,266,617, G>C. VCF-style: chr2-173266617-G-C. GRCh37 (hg19) VCF-style: chr2-174131345-G-C.
Other names: short protein forms S757T.
Identifiers: ClinVar variation 2416284 (VCV002416284.3), dbSNP rs1427726723, ClinGen allele CA349318168.
Genomic context (GRCh38, chr2:173,266,617, plus strand): 5'-TCCACCAACCCAACACCATACCAGGGATGCCTTTGCACCCTGAGACTGACTCAAGAGCCA[G>C]TGAAGAGGACAGCAAAGTCAGCGAAGGGGGCTGGACAAAAGTGGAATACCGGAAAAAGCC-3'
Protein context (NP_057737.2, residues 747-767): PLHPETDSRA[Ser757Thr]EEDSKVSEGG